The following is an entry in ClinVar:

NM_021813.4(BACH2):c.958C>T (p.Pro320Ser)

Gene: BACH2 (BACH transcriptional regulator 2; minus strand). Cytogenetic location: 6q15.
Variant type: single nucleotide variant.
Coding change: c.958C>T on transcript NM_021813.4 (MANE Select); coding-DNA position 958, C replaced by T.
Protein change: p.Pro320Ser; replaces proline 320 with serine.
Molecular consequence: missense variant.
Genome position (GRCh38, 1-based): chr6:89,951,148, G>A on the plus strand (C>T on the coding strand, the complement: BACH2 is on the minus strand). VCF-style: chr6-89951148-G-A. GRCh37 (hg19) VCF-style: chr6-90660867-G-A.
Other names: c.958C>T, p.Pro320Ser (NM_001170794.2); short protein forms P320S.
Identifiers: ClinVar variation 3713965 (VCV003713965.2).
Genomic context (GRCh38, chr6:89,951,148, plus strand): 5'-AGGAGGGCGAGGCCACGCTCCTGGATCTCTCCAGGCAGGCGGCCCCAGCTGGGGCCGTGG[G>A]GGTAGGGGCAGGGCTGGGCTGTTTCCGGTCCATCTCGACATCCCCCGCTCTGTCCTTGGC-3'
Protein context (NP_068585.1, residues 310-330): DRKQPSPAPT[Pro320Ser]TAPAGAACLE

ClinVar aggregate classification (germline): Uncertain significance (1 of 4 stars; one submission).

Submission:

Labcorp Genetics (formerly Invitae), Labcorp
Classification: Uncertain significance. Last evaluated: 2024-05-14. Review status: criteria provided, single submitter. Criteria: Invitae Variant Classification Sherloc (09022015). Collection method: clinical testing. Allele origin: germline.
Comment: This sequence change replaces proline, which is neutral and non-polar, with serine, which is neutral and polar, at codon 320 of the BACH2 protein (p.Pro320Ser). This variant is not present in population databases (gnomAD no frequency). This variant has not been reported in the literature in individuals affected with BACH2-related conditions. Algorithms developed to predict the effect of missense changes on protein structure and function output the following: SIFT: "Not Available"; PolyPhen-2: "Benign"; Align-GVGD: "Not Available". The serine amino acid residue is found in multiple mammalian species, which suggests that this missense change does not adversely affect protein function. In summary, the available evidence is currently insufficient to determine the role of this variant in disease. Therefore, it has been classified as a Variant of Uncertain Significance.